The following is an entry in ClinVar:

ClinVar aggregate classification (germline): Pathogenic (1 of 4 stars; one submission).

Conditions:
Severe combined immunodeficiency due to DCLRE1C deficiency (RS-SCID). Also called: SCID, AUTOSOMAL RECESSIVE, T CELL-NEGATIVE, B CELL-NEGATIVE, NK CELL-POSITIVE, WITH SENSITIVITY TO IONIZING RADIATION. Identifiers: Orphanet 275, MedGen C1865371, MONDO:0011225, OMIM 602450.

Submission:

Labcorp Genetics (formerly Invitae), Labcorp
Classification: Pathogenic for Athabaskan severe combined immunodeficiency. Last evaluated: 2021-03-16. Review status: criteria provided, single submitter. Criteria: Invitae Variant Classification Sherloc (09022015). Collection method: clinical testing. Allele origin: germline.
Comment: For these reasons, this variant has been classified as Pathogenic. A similar copy number variant has been observed in individual(s) with severe combined immunodeficiency (PMID: 18034425). This variant is a gross deletion of the genomic region encompassing exon(s) 1-2 of the DCLRE1C gene, which includes the initiator codon. The 5' end of this event is unknown as it extends beyond the assayed region for this gene and therefore may encompass additional genes. The 3' boundary is likely confined to intron 2 of the DCLRE1C gene. It is expected to result in an absent or disrupted protein product. Loss-of-function variants in DCLRE1C are known to be pathogenic (PMID: 21664875, 26123418).

Literature cited by the submitters: PubMed 18034425; PubMed 21664875; PubMed 26123418.

NC_000010.10:g.(?_14989514)_(14996441_?)del

Gene: DCLRE1C (DNA cross-link repair 1C; minus strand). Cytogenetic location: 10p13.
Variant type: Deletion.
Identifiers: ClinVar variation 1455220 (VCV001455220.6).